The following is an entry in ClinVar:

NM_006648.4(WNK2):c.139G>A (p.Val47Ile)

Gene: WNK2 (WNK lysine deficient protein kinase 2; plus strand). Cytogenetic location: 9q22.31.
Variant type: single nucleotide variant.
Coding change: c.139G>A on transcript NM_006648.4 (MANE Select); coding-DNA position 139, G replaced by A.
Protein change: p.Val47Ile; replaces valine 47 with isoleucine.
Molecular consequence: missense variant.
Genome position (GRCh38, 1-based): chr9:93,185,068, G>A. VCF-style: chr9-93185068-G-A. GRCh37 (hg19) VCF-style: chr9-95947350-G-A.
Other names: c.139G>A, p.Val47Ile (NM_001282394.3); short protein forms V47I.
Identifiers: ClinVar variation 4844874 (VCV004844874.1).
Genomic context (GRCh38, chr9:93,185,068, plus strand): 5'-GCGGAGCCTCGGGCGAAGGCGGCGCGGCCGGGGCCCCAGCGCTTTCTGCGGCGCAGCGTG[G>A]TAGAGTCGGACCAGGAGGAGCCGCCGGGCTTGGAGGCAGCCGAGGCGCCGGGCCCGCAGC-3'
Protein context (NP_006639.3, residues 37-57): GPQRFLRRSV[Val47Ile]ESDQEEPPGL

ClinVar aggregate classification (germline): Uncertain significance (1 of 4 stars; one submission).

Submission:

Ambry Genetics
Classification: Uncertain significance. Last evaluated: 2026-01-22. Review status: criteria provided, single submitter. Criteria: Ambry Variant Classification Scheme 2023. Collection method: clinical testing. Allele origin: germline.
Comment: The p.V47I variant (also known as c.139G>A), located in coding exon 1 of the WNK2 gene, results from a G to A substitution at nucleotide position 139. The valine at codon 47 is replaced by isoleucine, an amino acid with highly similar properties. This amino acid position is conserved. In addition, this alteration is predicted to be tolerated by in silico analysis. Based on the available evidence, the clinical significance of this variant remains unclear.